The following is an entry in ClinVar:

NM_020066.5(FMN2):c.3144C>T (p.Pro1048=)

Gene: FMN2 (formin 2; plus strand). Cytogenetic location: 1q43.
Variant type: single nucleotide variant.
Coding change: c.3144C>T on transcript NM_020066.5 (MANE Select); coding-DNA position 3144, C replaced by T.
Protein change: p.Pro1048=; no amino-acid change (proline 1048 retained).
Molecular consequence: synonymous variant. On other transcripts: intron variant (1).
Genome position (GRCh38, 1-based): chr1:240,207,956, C>T. VCF-style: chr1-240207956-C-T. GRCh37 (hg19) VCF-style: chr1-240371256-C-T.
Other names: c.3156C>T, p.Pro1052= (NM_001305424.2); c.1986+19694C>T (NM_001348094.2).
Identifiers: ClinVar variation 3029532 (VCV003029532.2), dbSNP rs1666487002, ClinGen allele CA424385505.

ClinVar aggregate classification (germline): Likely benign. Review status: criteria provided, multiple submitters, no conflicts (2 of 4 stars). 2 submissions from 2 submitters: Likely benign (2). Last evaluated 2026-08-01.

Conditions:
FMN2-related disorder. Also called: FMN2-related condition.

Submissions (2):

CeGaT Center for Human Genetics Tuebingen
Classification: Likely benign. Last evaluated: 2026-08-01. Review status: criteria provided, single submitter. Criteria: CeGaT Center For Human Genetics Tuebingen Variant Classification Criteria Version 2. Collection method: clinical testing. Allele origin: germline. Affected: yes. Observed: 1 variant allele.
Comment: FMN2: PM2:Supporting, BP4, BP7

PreventionGenetics, part of Exact Sciences
Classification: Likely benign for FMN2-related condition. Last evaluated: 2022-01-05. Review status: criteria provided, single submitter. Criteria: ACMG Guidelines, 2015. Collection method: clinical testing. Allele origin: germline.
Comment: This variant is classified as likely benign based on ACMG/AMP sequence variant interpretation guidelines (Richards et al. 2015 PMID: 25741868, with internal and published modifications).